The following is an entry in ClinVar:

NM_001846.4(COL4A2):c.656C>T (p.Pro219Leu)

Gene: COL4A2 (collagen type IV alpha 2 chain; plus strand). Cytogenetic location: 13q34.
Variant type: single nucleotide variant.
Coding change: c.656C>T on transcript NM_001846.4 (MANE Select); coding-DNA position 656, C replaced by T.
Protein change: p.Pro219Leu; replaces proline 219 with leucine.
Molecular consequence: missense variant.
Genome position (GRCh38, 1-based): chr13:110,432,332, C>T. VCF-style: chr13-110432332-C-T. GRCh37 (hg19) VCF-style: chr13-111084679-C-T.
Other names: short protein forms P219L.
Identifiers: ClinVar variation 1972534 (VCV001972534.5), dbSNP rs1880713096, ClinGen allele CA388730374.
Genomic context (GRCh38, chr13:110,432,332, plus strand): 5'-TCTGGGTCCTGGGGTAAAGAAAACCATTTACACATTTCTTTGTATTTGTACAGGGACCAC[C>T]TGGACCCCCTGGACCAAAAGGACAGCAAGTAAGTTGGTTTTGGGGGGTGAGGATGAGGGA-3'
Protein context (NP_001837.2, residues 209-229): PVGAPGRPGP[Pro219Leu]GPPGPKGQQG

ClinVar aggregate classification (germline): Uncertain significance (1 of 4 stars; one submission).

Allele frequency attached by ClinVar (database versions not stated): gnomAD exomes below 0.00001.
gnomAD v4.1: 1 of 1,610,478 alleles (0.000062%); highest among the groups gnomAD compares: Non-Finnish European, 0.000085%; no homozygotes.

Submission:

Labcorp Genetics (formerly Invitae), Labcorp
Classification: Uncertain significance. Last evaluated: 2025-04-08. Review status: criteria provided, single submitter. Criteria: Invitae Variant Classification Sherloc (09022015). Collection method: clinical testing. Allele origin: germline.
Comment: This sequence change replaces proline, which is neutral and non-polar, with leucine, which is neutral and non-polar, at codon 219 of the COL4A2 protein (p.Pro219Leu). This variant is not present in population databases (gnomAD no frequency). This variant has not been reported in the literature in individuals affected with COL4A2-related conditions. ClinVar contains an entry for this variant (Variation ID: 1972534). Invitae Evidence Modeling of protein sequence and biophysical properties (such as structural, functional, and spatial information, amino acid conservation, physicochemical variation, residue mobility, and thermodynamic stability) indicates that this missense variant is not expected to disrupt COL4A2 protein function with a negative predictive value of 95%. In summary, the available evidence is currently insufficient to determine the role of this variant in disease. Therefore, it has been classified as a Variant of Uncertain Significance.